The following is an entry in ClinVar:

NM_001220.5(CAMK2B):c.430C>A (p.Leu144Met)

Gene: CAMK2B (calcium/calmodulin dependent protein kinase II beta; minus strand). Cytogenetic location: 7p13.
Variant type: single nucleotide variant.
Coding change: c.430C>A on transcript NM_001220.5 (MANE Select); coding-DNA position 430, C replaced by A.
Protein change: p.Leu144Met; replaces leucine 144 with methionine.
Molecular consequence: missense variant.
Genome position (GRCh38, 1-based): chr7:44,243,512, G>T on the plus strand (C>A on the coding strand, the complement: CAMK2B is on the minus strand). VCF-style: chr7-44243512-G-T. GRCh37 (hg19) VCF-style: chr7-44283111-G-T.
Other names: c.430C>A, p.Leu144Met (NM_001293170.2, NM_172078.3, NM_172079.3 and 5 more transcripts); short protein forms L144M.
Identifiers: ClinVar variation 3367439 (VCV003367439.1).

ClinVar aggregate classification (germline): Uncertain significance (1 of 4 stars; one submission).

Submission:

GeneDx
Classification: Uncertain significance. Last evaluated: 2024-01-05. Review status: criteria provided, single submitter. Criteria: GeneDx Variant Classification Process June 2021. Collection method: clinical testing. Allele origin: germline. Affected: yes.
Comment: Not observed at significant frequency in large population cohorts (gnomAD); In silico analysis supports that this missense variant does not alter protein structure/function; Has not been previously published as pathogenic or benign to our knowledge